The following is an entry in ClinVar:

ClinVar aggregate classification (germline): Uncertain significance. Review status: criteria provided, multiple submitters, no conflicts (2 of 4 stars). 3 submissions from 3 submitters: Uncertain significance (3). Last evaluated 2022-07-13.

Conditions:
Autoimmune lymphoproliferative syndrome type 2B. Also called: AUTOIMMUNE LYMPHOPROLIFERATIVE SYNDROME, TYPE IIB. Identifiers: Orphanet 275517, MedGen C1846545, MONDO:0011804, OMIM 607271.

Allele frequency attached by ClinVar (database versions not stated): gnomAD exomes 0.00001; TOPMed 0.00001; ExAC 0.00002.
gnomAD v4.1: 12 of 1,612,702 alleles (0.00074%); highest among the groups gnomAD compares: Middle Eastern, 0.017%; no homozygotes.

Submissions (3):

Blueprint Genetics
Classification: Uncertain significance. Last evaluated: 2022-07-13. Review status: criteria provided, single submitter. Criteria: ACMG Guidelines, 2015. Collection method: clinical testing. Allele origin: germline.

Labcorp Genetics (formerly Invitae), Labcorp
Classification: Uncertain significance for Autoimmune lymphoproliferative syndrome type 2B. Last evaluated: 2022-07-03. Review status: criteria provided, single submitter. Criteria: Invitae Variant Classification Sherloc (09022015). Collection method: clinical testing. Allele origin: germline.
Comment: This sequence change replaces alanine, which is neutral and non-polar, with serine, which is neutral and polar, at codon 96 of the CASP8 protein (p.Ala96Ser). This variant is present in population databases (rs762297913, gnomAD 0.002%). This variant has not been reported in the literature in individuals affected with CASP8-related conditions. ClinVar contains an entry for this variant (Variation ID: 571008). Algorithms developed to predict the effect of missense changes on protein structure and function are either unavailable or do not agree on the potential impact of this missense change (SIFT: "Tolerated"; PolyPhen-2: "Possibly Damaging"; Align-GVGD: "Class C0"). Algorithms developed to predict the effect of sequence changes on RNA splicing suggest that this variant may create or strengthen a splice site. In summary, the available evidence is currently insufficient to determine the role of this variant in disease. Therefore, it has been classified as a Variant of Uncertain Significance.

Breakthrough Genomics
Classification: Uncertain significance. Review status: criteria provided, single submitter. Criteria: ACMG Guidelines, 2015. Collection method: not provided. Allele origin: germline. Inheritance: Autosomal recessive inheritance. Affected: yes.

NM_001372051.1(CASP8):c.286G>T (p.Ala96Ser)

Gene: CASP8 (caspase 8; plus strand). Cytogenetic location: 2q33.1.
Variant type: single nucleotide variant.
Coding change: c.286G>T on transcript NM_001372051.1 (MANE Select); coding-DNA position 286, G replaced by T.
Protein change: p.Ala96Ser; replaces alanine 96 with serine.
Molecular consequence: missense variant. On other transcripts: 5 prime UTR variant (9), non-coding transcript variant (22), intron variant (3).
Genome position (GRCh38, 1-based): chr2:201,266,772, G>T. VCF-style: chr2-201266772-G-T. GRCh37 (hg19) VCF-style: chr2-202131495-G-T.
Other names: c.286G>T, p.Ala96Ser (NM_001080124.2, NM_001228.5, NM_001400645.1 and 21 more transcripts); c.463G>T, p.Ala155Ser (NM_001080125.2, NM_001400642.1, NM_001400665.1); c.-247G>T (NM_001400671.1, NM_001400673.1, NM_001400676.1 and 4 more transcripts); c.-428G>T (NM_001400674.1); c.-326G>T (NM_001400680.1); c.-4-4744G>T (NM_001400669.1); c.-227-4744G>T (NM_001400672.1, NM_001400675.1); short protein forms A96S, A155S.
Identifiers: ClinVar variation 571008 (VCV000571008.8), dbSNP rs762297913, ClinGen allele CA2053472.